The following is an entry in ClinVar:

ClinVar aggregate classification (germline): Likely benign (0 of 4 stars; one submission).

Conditions:
EP400-related disorder. Also called: EP400-related condition.

Allele frequency attached by ClinVar (database versions not stated): TOPMed 0.00003; gnomAD exomes 0.00004.
gnomAD v4.1: 59 of 1,612,382 alleles (0.0037%); highest among the groups gnomAD compares: Middle Eastern, 0.067%; 1 homozygote.

Submission:

PreventionGenetics, part of Exact Sciences
Classification: Likely benign for EP400-related condition. Last evaluated: 2019-09-05. Review status: no assertion criteria provided. Collection method: clinical testing. Allele origin: germline.
Comment: This variant is classified as likely benign based on ACMG/AMP sequence variant interpretation guidelines (Richards et al. 2015 PMID: 25741868, with internal and published modifications).

NM_015409.5(EP400):c.8490G>A (p.Thr2830=)

Gene: EP400 (E1A binding protein p400; plus strand). Cytogenetic location: 12q24.33.
Variant type: single nucleotide variant.
Coding change: c.8490G>A on transcript NM_015409.5 (MANE Select); coding-DNA position 8490, G replaced by A.
Protein change: p.Thr2830=; no amino-acid change (threonine 2830 retained).
Molecular consequence: synonymous variant.
Genome position (GRCh38, 1-based): chr12:132,064,823, G>A. VCF-style: chr12-132064823-G-A. GRCh37 (hg19) VCF-style: chr12-132549368-G-A.
Identifiers: ClinVar variation 3053509 (VCV003053509.2), dbSNP rs570076237, ClinGen allele CA246198473.
Genomic context (GRCh38, chr12:132,064,823, plus strand): 5'-AGTGCAAGTGCAGACCTCGCAGCCGCCGCAGCAGCAGAGCCCCCAGCTCACGACGGTCAC[G>A]GCCCCAAGGCCTGGTGCCCTGCTGACGGGCACCACCGTGGCCAACCTCCAGGTGGCCCGG-3'
Protein context (NP_056224.3, residues 2820-2840): QQQSPQLTTV[Thr2830=]APRPGALLTG